The following is an entry in ClinVar:

ClinVar aggregate classification (germline): Pathogenic (1 of 4 stars; one submission).

Conditions:
Alstrom syndrome (ALMS). Identifiers: Orphanet 64, MedGen C0268425, MONDO:0008763, OMIM 203800.

Allele frequency attached by ClinVar (database versions not stated): TOPMed below 0.00001; ExAC 0.00001; gnomAD exomes 0.00001.
gnomAD v4.1: 4 of 1,614,046 alleles (0.00025%); highest among the groups gnomAD compares: Admixed American, 0.0017%; no homozygotes.

Submission:

Labcorp Genetics (formerly Invitae), Labcorp
Classification: Pathogenic for Alstrom syndrome. Last evaluated: 2022-05-31. Review status: criteria provided, single submitter. Criteria: Invitae Variant Classification Sherloc (09022015). Collection method: clinical testing. Allele origin: germline.
Comment: This sequence change creates a premature translational stop signal (p.Gln823*) in the ALMS1 gene. It is expected to result in an absent or disrupted protein product. Loss-of-function variants in ALMS1 are known to be pathogenic (PMID: 17594715). This variant is present in population databases (rs568037602, gnomAD 0.003%). This variant has not been reported in the literature in individuals affected with ALMS1-related conditions. ClinVar contains an entry for this variant (Variation ID: 1033321). For these reasons, this variant has been classified as Pathogenic.

Literature cited by the submitters: PubMed 17594715.

NM_001378454.1(ALMS1):c.2464C>T (p.Gln822Ter)

Gene: ALMS1 (ALMS1 centrosome and basal body associated protein; plus strand). Cytogenetic location: 2p13.1.
Variant type: single nucleotide variant.
Coding change: c.2464C>T on transcript NM_001378454.1 (MANE Select); coding-DNA position 2464, C replaced by T.
Protein change: p.Gln822Ter; replaces glutamine 822 with a stop codon.
Molecular consequence: nonsense.
Genome position (GRCh38, 1-based): chr2:73,448,991, C>T. VCF-style: chr2-73448991-C-T. GRCh37 (hg19) VCF-style: chr2-73676118-C-T.
Other names: c.2467C>T, p.Gln823Ter (NM_015120.4); short protein forms Q823*, Q822*.
Identifiers: ClinVar variation 1033321 (VCV001033321.8), dbSNP rs568037602, ClinGen allele CA1713349.